The following is an entry in ClinVar:

NM_147127.5(EVC2):c.3361-2del

Gene: EVC2 (EvC ciliary complex subunit 2; minus strand). Cytogenetic location: 4p16.2.
Variant type: Deletion.
Coding change: c.3361-2del on transcript NM_147127.5 (MANE Select); the canonical splice acceptor site of the intron before coding-DNA position 3361, one base deleted (A; older notation c.3361-2delA).
Molecular consequence: splice acceptor variant.
Genome position (GRCh38, 1-based): chr4:5,568,642, T deleted on the plus strand (A on the coding strand, the reverse complement: EVC2 is on the minus strand). VCF-style (leftmost placement, unchanged base first): chr4-5568641-CT-C. GRCh37 (hg19) VCF-style: chr4-5570368-CT-C.
Other names: c.3121-2del (NM_001166136.2).
Identifiers: ClinVar variation 1322841 (VCV001322841.10), dbSNP rs757914735, ClinGen allele CA2834340.
Genomic context (GRCh38, chr4:5,568,641, plus strand): 5'-GCGAAGCGTGGCCCCGGGCACCATGGCCATCCTCGCCAGGTACGATGCCAGTCTCAGCTC[CT>C]ACAGGAAACAACAGAGGGAGTTCAGACCCTCGCCGCCTCTCAACTTGAACCATCATTTTT-3'

ClinVar aggregate classification (germline): Pathogenic/Likely pathogenic. Review status: criteria provided, multiple submitters, no conflicts (2 of 4 stars). 2 submissions from 2 submitters: Pathogenic (1); Likely pathogenic (1). Last evaluated 2023-11-07.

Conditions:
Ellis-van Creveld syndrome (EVC). Also called: EVC-Related Ellis-van Creveld Syndrome; EVC2-Related Ellis-van Creveld Syndrome; Chondroectodermal dysplasia; MESOECTODERMAL DYSPLASIA. Identifiers: Orphanet 289, MedGen C0013903, MONDO:0009162, OMIM 225500.
Curry-Hall syndrome (WAD). Also called: WEYERS ACRODENTAL DYSOSTOSIS. Identifiers: Orphanet 952, MedGen C0457013, MONDO:0008673, OMIM 193530.

Allele frequency attached by ClinVar (database versions not stated): gnomAD exomes below 0.00001 and 0.00001; ExAC 0.00001.

Submissions (2):

Labcorp Genetics (formerly Invitae), Labcorp
Classification: Likely pathogenic for Curry-Hall syndrome; Ellis-van Creveld syndrome. Last evaluated: 2023-11-07. Review status: criteria provided, single submitter. Criteria: Invitae Variant Classification Sherloc (09022015). Collection method: clinical testing. Allele origin: germline.
Comment: This sequence change affects a splice site in intron 19 of the EVC2 gene. It is expected to disrupt RNA splicing. Variants that disrupt the donor or acceptor splice site typically lead to a loss of protein function (PMID: 16199547), and loss-of-function variants in EVC2 are known to be pathogenic (PMID: 17024374, 19810119, 19876929). This variant is present in population databases (rs757914735, gnomAD 0.006%). Disruption of this splice site has been observed in individual(s) with clinical features of Ellis-van Creveld syndrome (Invitae). ClinVar contains an entry for this variant (Variation ID: 1322841). Algorithms developed to predict the effect of sequence changes on RNA splicing suggest that this variant may disrupt the consensus splice site. In summary, the currently available evidence indicates that the variant is pathogenic, but additional data are needed to prove that conclusively. Therefore, this variant has been classified as Likely Pathogenic.

Revvity Omics, Revvity
Classification: Pathogenic. Last evaluated: 2019-09-06. Review status: criteria provided, single submitter. Criteria: ACMG Guidelines, 2015. Collection method: clinical testing. Allele origin: germline.

Literature cited by the submitters: PubMed 16199547 (cited by Labcorp Genetics (formerly Invitae), Labcorp); PubMed 17024374 (cited by Labcorp Genetics (formerly Invitae), Labcorp); PubMed 19810119 (cited by Labcorp Genetics (formerly Invitae), Labcorp); PubMed 19876929 (cited by Labcorp Genetics (formerly Invitae), Labcorp).